The following is an entry in ClinVar:

ClinVar aggregate classification (germline): Uncertain significance. Review status: criteria provided, multiple submitters, no conflicts (2 of 4 stars). 3 submissions from 3 submitters: Uncertain significance (3). Last evaluated 2023-12-05.

Conditions:
Cardiomyopathy (CMYO). Also called: Cardiomyopathies. Identifiers: Orphanet 167848, MedGen C0878544, MONDO:0004994, HP:0001638. Inheritance: Various modes of inheritance.
Cardiovascular phenotype. Identifiers: MedGen CN230736.

Submissions (3):

Color Diagnostics, LLC DBA Color Health
Classification: Uncertain significance for Cardiomyopathy. Last evaluated: 2023-12-05. Review status: criteria provided, single submitter. Criteria: ACMG Guidelines, 2015. Collection method: clinical testing. Allele origin: germline.
Comment: Variant of Uncertain Significance due to insufficient evidence: This missense variant is located in the cytoplasmic SPRY domain 2 of the RYR2 protein. Computational prediction tools and conservation analyses suggest that this variant may have deleterious impact on the protein function. Computational splicing tools suggest that this variant may not impact RNA splicing. To our knowledge, functional assays have not been performed for this variant nor has this variant been reported in individuals affected with cardiovascular disorders in the literature. This variant is rare in the general population and has been identified in 0/277264 chromosomes by the Genome Aggregation Database (gnomAD). Available evidence is insufficient to determine the role of this variant in disease conclusively.

GeneDx
Classification: Uncertain significance. Last evaluated: 2022-08-17. Review status: criteria provided, single submitter. Criteria: GeneDx Variant Classification Process June 2021. Collection method: clinical testing. Allele origin: germline. Affected: yes.
Comment: Has not been previously published as pathogenic or benign to our knowledge; Not observed at significant frequency in large population cohorts (gnomAD); In silico analysis supports that this missense variant does not alter protein structure/function; Not located in one of the three hot-spot regions of the RYR2 gene, where the majority of pathogenic missense variants occur (Medeiros-Domingo et al., 2009); This variant is associated with the following publications: (PMID: 19926015)

Ambry Genetics
Classification: Uncertain significance for Cardiovascular phenotype. Last evaluated: 2022-02-10. Review status: criteria provided, single submitter. Criteria: Ambry Variant Classification Scheme 2023. Collection method: clinical testing. Allele origin: germline.

NM_001035.3(RYR2):c.3565G>C (p.Glu1189Gln)

Gene: RYR2 (ryanodine receptor 2; plus strand). Cytogenetic location: 1q43.
Variant type: single nucleotide variant.
Coding change: c.3565G>C on transcript NM_001035.3 (MANE Select); coding-DNA position 3565, G replaced by C.
Protein change: p.Glu1189Gln; replaces glutamic acid 1189 with glutamine.
Molecular consequence: missense variant.
Genome position (GRCh38, 1-based): chr1:237,569,286, G>C. VCF-style: chr1-237569286-G-C. GRCh37 (hg19) VCF-style: chr1-237732586-G-C.
Other names: c.3565G>C (NM_001035.2); short protein forms E1189Q.
Identifiers: ClinVar variation 921907 (VCV000921907.8), dbSNP rs794728732, ClinGen allele CA345390736.